The following is an entry in ClinVar:

NM_014967.5(FAN1):c.1671A>G (p.Ser557=)

Gene: FAN1 (FANCD2 and FANCI associated nuclease 1; plus strand). Cytogenetic location: 15q13.3.
Variant type: single nucleotide variant.
Coding change: c.1671A>G on transcript NM_014967.5 (MANE Select); coding-DNA position 1671, A replaced by G.
Protein change: p.Ser557=; no amino-acid change (serine 557 retained).
Molecular consequence: synonymous variant.
Genome position (GRCh38, 1-based): chr15:30,913,951, A>G. VCF-style: chr15-30913951-A-G. GRCh37 (hg19) VCF-style: chr15-31206154-A-G.
Identifiers: ClinVar variation 3048692 (VCV003048692.2), dbSNP rs2542633910, ClinGen allele CA489643161.
Genomic context (GRCh38, chr15:30,913,951, plus strand): 5'-CTGTAAAGGCCCCAGGGCTGTGTTTTCCCGCATCTTGCTACTGTTTTCGTTGACCGACTC[A>G]ATGGAAGATGAAGACGCCGCTTGTGGAGGTCAGGGACAGCTTTCAACAGTCCTGTTGGTC-3'
Protein context (NP_055782.3, residues 547-567): RILLLFSLTD[Ser557=]MEDEDAACGG

ClinVar aggregate classification (germline): Likely benign (0 of 4 stars; one submission).

Conditions:
FAN1-related disorder. Also called: FAN1-related condition.

Submission:

PreventionGenetics, part of Exact Sciences
Classification: Likely benign for FAN1-related condition. Last evaluated: 2022-07-06. Review status: no assertion criteria provided. Collection method: clinical testing. Allele origin: germline.
Comment: This variant is classified as likely benign based on ACMG/AMP sequence variant interpretation guidelines (Richards et al. 2015 PMID: 25741868, with internal and published modifications).